The following is an entry in ClinVar:

ClinVar aggregate classification (germline): Uncertain significance. Review status: criteria provided, multiple submitters, no conflicts (2 of 4 stars). 2 submissions from 2 submitters: Uncertain significance (2). Last evaluated 2023-09-01.

Conditions:
Inborn genetic diseases. Identifiers: MedGen C0950123, MeSH D030342.
Hereditary spastic paraplegia 3A (SPG3A). Also called: Spastic paraplegia 3A, autosomal dominant; SPASTIC PARAPLEGIA 3, AUTOSOMAL DOMINANT; FAMILIAL SPASTIC PARAPLEGIA, AUTOSOMAL DOMINANT, 1; SPG3; STRUMPELL DISEASE; Spastic Paraplegia 3A. Identifiers: Orphanet 100984, MedGen C2931355, MONDO:0008437, OMIM 182600.

Allele frequency attached by ClinVar (database versions not stated): TOPMed below 0.00001; gnomAD exomes 0.00001; ExAC 0.00002.
gnomAD v4.1: 16 of 1,614,038 alleles (0.00099%); highest among the groups gnomAD compares: East Asian, 0.0067%; no homozygotes.

Submissions (2):

Labcorp Genetics (formerly Invitae), Labcorp
Classification: Uncertain significance for Hereditary spastic paraplegia 3A. Last evaluated: 2023-09-01. Review status: criteria provided, single submitter. Criteria: Invitae Variant Classification Sherloc (09022015). Collection method: clinical testing. Allele origin: germline.
Comment: In summary, the available evidence is currently insufficient to determine the role of this variant in disease. Therefore, it has been classified as a Variant of Uncertain Significance. Advanced modeling of protein sequence and biophysical properties (such as structural, functional, and spatial information, amino acid conservation, physicochemical variation, residue mobility, and thermodynamic stability) performed at Invitae indicates that this missense variant is not expected to disrupt ATL1 protein function. ClinVar contains an entry for this variant (Variation ID: 1761030). This variant has not been reported in the literature in individuals affected with ATL1-related conditions. This variant is present in population databases (rs774405576, gnomAD 0.006%). This sequence change replaces asparagine, which is neutral and polar, with serine, which is neutral and polar, at codon 263 of the ATL1 protein (p.Asn263Ser).

Ambry Genetics
Classification: Uncertain significance for Inborn genetic diseases. Last evaluated: 2021-01-13. Review status: criteria provided, single submitter. Criteria: Ambry Variant Classification Scheme 2023. Collection method: clinical testing. Allele origin: germline.
Comment: The p.N263S variant (also known as c.788A>G), located in coding exon 8 of the ATL1 gene, results from an A to G substitution at nucleotide position 788. The asparagine at codon 263 is replaced by serine, an amino acid with highly similar properties. This amino acid position is poorly conserved in available vertebrate species. In addition, this alteration is predicted to be tolerated by in silico analysis. Since supporting evidence is limited at this time, the clinical significance of this alteration remains unclear.

NM_015915.5(ATL1):c.788A>G (p.Asn263Ser)

Gene: ATL1 (atlastin GTPase 1; plus strand). Cytogenetic location: 14q22.1.
Variant type: single nucleotide variant.
Coding change: c.788A>G on transcript NM_015915.5 (MANE Select); coding-DNA position 788, A replaced by G.
Protein change: p.Asn263Ser; replaces asparagine 263 with serine.
Molecular consequence: missense variant.
Genome position (GRCh38, 1-based): chr14:50,614,437, A>G. VCF-style: chr14-50614437-A-G. GRCh37 (hg19) VCF-style: chr14-51081155-A-G.
Other names: c.788A>G, p.Asn263Ser (NM_181598.4, NM_001127713.1); short protein forms N263S.
Identifiers: ClinVar variation 1761030 (VCV001761030.7), dbSNP rs774405576, ClinGen allele CA7180341.
Genomic context (GRCh38, chr14:50,614,437, plus strand): 5'-CAGGGAACCAGCATGAAGAACTACAGAACGTCAGAAAACACATCCATTCCTGTTTCACCA[A>G]CATTTCCTGTTTTCTGCTACCTCATCCTGGCTTAAAAGTAGCTACCAATCCAAACTTTGA-3'
Protein context (NP_056999.2, residues 253-273): VRKHIHSCFT[Asn263Ser]ISCFLLPHPG